The following is an entry in ClinVar:

NM_001009944.3(PKD1):c.11319A>G (p.Ala3773=)

Genes: PKD1 (polycystin 1, transient receptor potential channel interacting; minus strand), PKD1-AS1 (PKD1 antisense RNA 1; plus strand). Cytogenetic location: 16p13.3.
Variant type: single nucleotide variant.
Coding change: c.11319A>G on transcript NM_001009944.3 (MANE Select); coding-DNA position 11319, A replaced by G.
Protein change: p.Ala3773=; no amino-acid change (alanine 3773 retained).
Molecular consequence: synonymous variant.
Genome position (GRCh38, 1-based): chr16:2,092,139, T>C on the plus strand (A>G on the coding strand, the complement: PKD1 is on the minus strand). VCF-style: chr16-2092139-T-C. GRCh37 (hg19) VCF-style: chr16-2142140-T-C.
Other names: c.11316A>G, p.Ala3772= (NM_000296.4).
Identifiers: ClinVar variation 2645987 (VCV002645987.25), dbSNP rs537179634, ClinGen allele CA7829191.

ClinVar aggregate classification (germline): Likely benign. Review status: criteria provided, multiple submitters, no conflicts (2 of 4 stars). 2 submissions from 2 submitters: Likely benign (2). Last evaluated 2024-07-02.

Allele frequency attached by ClinVar (database versions not stated): 1000 Genomes Project 30x 0.00016; 1000 Genomes Project 0.00020.
gnomAD v4.1: 175 of 1,612,660 alleles (0.011%); highest among the groups gnomAD compares: South Asian, 0.19%; 1 homozygote.

Submissions (2):

Blueprint Genetics
Classification: Likely benign. Last evaluated: 2024-07-02. Review status: criteria provided, single submitter. Criteria: ACMG Guidelines, 2015. Collection method: clinical testing. Allele origin: germline.

CeGaT Center for Human Genetics Tuebingen
Classification: Likely benign. Last evaluated: 2023-09-01. Review status: criteria provided, single submitter. Criteria: CeGaT Center For Human Genetics Tuebingen Variant Classification Criteria Version 2. Collection method: clinical testing. Allele origin: germline. Affected: yes. Observed: 1 variant allele.
Comment: PKD1: BP4, BP7